The following is an entry in ClinVar:

NM_001039141.3(TRIOBP):c.5849C>A (p.Pro1950Gln)

Gene: TRIOBP (TRIO and F-actin binding protein; plus strand). Cytogenetic location: 22q13.1.
Variant type: single nucleotide variant.
Coding change: c.5849C>A on transcript NM_001039141.3 (MANE Select); coding-DNA position 5849, C replaced by A.
Protein change: p.Pro1950Gln; replaces proline 1950 with glutamine.
Molecular consequence: missense variant.
Genome position (GRCh38, 1-based): chr22:37,757,774, C>A. VCF-style: chr22-37757774-C-A. GRCh37 (hg19) VCF-style: chr22-38153781-C-A.
Other names: c.710C>A, p.Pro237Gln (NM_007032.5, NM_138632.2); short protein forms P1950Q, P237Q.
Identifiers: ClinVar variation 4984621 (VCV004984621.1).

ClinVar aggregate classification (germline): Uncertain significance (1 of 4 stars; one submission).

Conditions:
TRIOBP-related disorder. Also called: TRIOBP-related condition.

Submission:

PreventionGenetics, part of Exact Sciences
Classification: Uncertain significance for TRIOBP-related condition. Last evaluated: 2025-08-20. Review status: criteria provided, single submitter. Criteria: ACMG Guidelines, 2015. Collection method: clinical testing. Allele origin: germline.
Comment: The TRIOBP c.5849C>A variant is predicted to result in the amino acid substitution p.Pro1950Gln. To our knowledge, this variant has not been reported in the literature. This variant is reported in 0.0058% of alleles in individuals of African descent in gnomAD. At this time, the clinical significance of this variant is uncertain due to the absence of conclusive functional and genetic evidence.